The following is an entry in ClinVar:

NM_024596.5(MCPH1):c.219G>T (p.Val73=)

Gene: MCPH1 (microcephalin 1; plus strand). Cytogenetic location: 8p23.1.
Variant type: single nucleotide variant.
Coding change: c.219G>T on transcript NM_024596.5 (MANE Select); coding-DNA position 219, G replaced by T.
Protein change: p.Val73=; no amino-acid change (valine 73 retained).
Molecular consequence: synonymous variant. On other transcripts: non-coding transcript variant (1).
Genome position (GRCh38, 1-based): chr8:6,414,869, G>T. VCF-style: chr8-6414869-G-T. GRCh37 (hg19) VCF-style: chr8-6272390-G-T.
Other names: c.219G>T (NM_001322042.1); c.219G>T, p.Val73= (NM_001172574.2, NM_001172575.2, NM_001322042.2 and 4 more transcripts); c.213G>T, p.Val71= (NM_001322043.2); c.117G>T, p.Val39= (NM_001322045.2).
Identifiers: ClinVar variation 2742995 (VCV002742995.4), dbSNP rs764750649, ClinGen allele CA4610112.
Genomic context (GRCh38, chr8:6,414,869, plus strand): 5'-AGATGGCTACCAGAGCACTTGGGACAAAGCTCAGAAGAGAGGCGTAAAGCTCGTTTCGGT[G>T]CTCTGGGTGGAAAAGTAAGCAGTTTCTCTCTTACTTTTTTTCCTTAAGTATCTAGTATTG-3'
Protein context (NP_078872.3, residues 63-83): AQKRGVKLVS[Val73=]LWVEKCRTAG

ClinVar aggregate classification (germline): Likely benign. Review status: criteria provided, single submitter (1 of 4 stars). 2 submissions from 2 submitters: Likely benign (1). 1 of the submissions does not count toward it. Last evaluated 2026-01-30.

Conditions:
MCPH1-related disorder. Also called: MCPH1-related condition.

Allele frequency attached by ClinVar (database versions not stated): ExAC 0.00001; gnomAD exomes below 0.00001.
gnomAD v4.1: 1 of 1,613,578 alleles (0.000062%); highest among the groups gnomAD compares: Non-Finnish European, 0.000085%; no homozygotes.

Submissions (2):

Labcorp Genetics (formerly Invitae), Labcorp
Classification: Likely benign. Last evaluated: 2026-01-30. Review status: criteria provided, single submitter. Criteria: Invitae Variant Classification Sherloc (09022015). Collection method: clinical testing. Allele origin: germline.

PreventionGenetics, part of Exact Sciences
Classification: Likely benign for MCPH1-related condition. Last evaluated: 2024-08-14. Review status: no assertion criteria provided. Collection method: clinical testing. Allele origin: germline. Not counted in ClinVar's aggregate classification.
Comment: This variant is classified as likely benign based on ACMG/AMP sequence variant interpretation guidelines (Richards et al. 2015 PMID: 25741868, with internal and published modifications).